The following is an entry in ClinVar:

ClinVar aggregate classification (germline): Uncertain significance (1 of 4 stars; one submission).

Submission:

Labcorp Genetics (formerly Invitae), Labcorp
Classification: Uncertain significance. Last evaluated: 2024-07-11. Review status: criteria provided, single submitter. Criteria: Invitae Variant Classification Sherloc (09022015). Collection method: clinical testing. Allele origin: germline.
Comment: This sequence change creates a premature translational stop signal (p.Val563*) in the DEAF1 gene. While this is not anticipated to result in nonsense mediated decay, it is expected to disrupt the last 3 amino acid(s) of the DEAF1 protein. This variant is present in population databases (rs780211842, gnomAD 0.003%). This variant has not been reported in the literature in individuals affected with DEAF1-related conditions. Algorithms developed to predict the effect of sequence changes on RNA splicing suggest that this variant may create or strengthen a splice site. In summary, the available evidence is currently insufficient to determine the role of this variant in disease. Therefore, it has been classified as a Variant of Uncertain Significance.

NM_021008.4(DEAF1):c.1687del (p.Lys562_Val563insTer)

Gene: DEAF1 (DEAF1 transcription factor; minus strand). Cytogenetic location: 11p15.5.
Variant type: Deletion.
Coding change: c.1687del on transcript NM_021008.4 (MANE Select); coding-DNA position 1687, one base deleted (G; older notation c.1687delG).
Protein change: p.Lys562_Val563insTer.
Molecular consequence: nonsense. On other transcripts: frameshift variant (1).
Genome position (GRCh38, 1-based): chr11:644,561, C deleted on the plus strand (G on the coding strand, the reverse complement: DEAF1 is on the minus strand); the first of 2 consecutive C bases (chr11:644,561-644,562); deleting either gives the same sequence. VCF-style (leftmost placement, unchanged base first): chr11-644560-AC-A. GRCh37 (hg19) VCF-style: chr11-644560-AC-A.
Other names: c.1461delG, p.Val488Terfs (NM_001293634.2); c.961del, p.Lys320_Val321insTer (NM_001367390.1).
Identifiers: ClinVar variation 3659239 (VCV003659239.2).